The following is an entry in ClinVar:

NM_016373.4(WWOX):c.391G>A (p.Gly131Arg)

Gene: WWOX (WW domain containing oxidoreductase; plus strand). Cytogenetic location: 16q23.1.
Variant type: single nucleotide variant.
Coding change: c.391G>A on transcript NM_016373.4 (MANE Select); coding-DNA position 391, G replaced by A.
Protein change: p.Gly131Arg; replaces glycine 131 with arginine.
Molecular consequence: missense variant. On other transcripts: non-coding transcript variant (1).
Genome position (GRCh38, 1-based): chr16:78,115,136, G>A. VCF-style: chr16-78115136-G-A. GRCh37 (hg19) VCF-style: chr16-78149033-G-A.
Other names: c.52G>A, p.Gly18Arg (NM_001291997.2); c.391G>A, p.Gly131Arg (NM_130791.5); short protein forms G18R, G131R.
Identifiers: ClinVar variation 1396976 (VCV001396976.3), dbSNP rs2151674915, ClinGen allele CA396842607.

ClinVar aggregate classification (germline): Uncertain significance (1 of 4 stars; one submission).

Conditions:
Developmental and epileptic encephalopathy, 1 (DEE1). Also called: INFANTILE SPASM SYNDROME, X-LINKED 1; Epileptic encephalopathy, early infantile, 1; X-linked infantile spasms; West's syndrome; Tonic spasms with clustering, arrest of psychomotor development and hypsarrhythmia on EEG; X-Linked Infantile Spasm Syndrome. Identifiers: MedGen C3463992, MONDO:0010632, OMIM 308350. Disease mechanism: loss of function.
Autosomal recessive spinocerebellar ataxia 12. Also called: SPINOCEREBELLAR ATAXIA WITH MENTAL RETARDATION AND EPILEPSY. Identifiers: Orphanet 284282, MedGen C3280452, MONDO:0013687, OMIM 614322.

gnomAD v4.1: 5 of 1,614,202 alleles (0.00031%); highest among the groups gnomAD compares: Non-Finnish European, 0.00042%; no homozygotes.

Submission:

Labcorp Genetics (formerly Invitae), Labcorp
Classification: Uncertain significance for Developmental and epileptic encephalopathy, 1; Autosomal recessive spinocerebellar ataxia 12. Last evaluated: 2021-08-09. Review status: criteria provided, single submitter. Criteria: Invitae Variant Classification Sherloc (09022015). Collection method: clinical testing. Allele origin: germline.
Comment: This sequence change replaces glycine with arginine at codon 131 of the WWOX protein (p.Gly131Arg). The glycine residue is highly conserved and there is a moderate physicochemical difference between glycine and arginine. This variant is not present in population databases (ExAC no frequency). This variant has not been reported in the literature in individuals affected with WWOX-related conditions. Algorithms developed to predict the effect of missense changes on protein structure and function are either unavailable or do not agree on the potential impact of this missense change (SIFT: "Not Available"; PolyPhen-2: "Probably Damaging"; Align-GVGD: "Not Available"). Algorithms developed to predict the effect of sequence changes on RNA splicing suggest that this variant may create or strengthen a splice site. In summary, the available evidence is currently insufficient to determine the role of this variant in disease. Therefore, it has been classified as a Variant of Uncertain Significance.